The following is an entry in ClinVar:

NM_012291.5(ESPL1):c.5169C>T (p.Asn1723=)

Gene: ESPL1 (extra spindle pole bodies like 1, separase; plus strand). Cytogenetic location: 12q13.13.
Variant type: single nucleotide variant.
Coding change: c.5169C>T on transcript NM_012291.5 (MANE Select); coding-DNA position 5169, C replaced by T.
Protein change: p.Asn1723=; no amino-acid change (asparagine 1723 retained).
Molecular consequence: synonymous variant.
Genome position (GRCh38, 1-based): chr12:53,290,140, C>T. VCF-style: chr12-53290140-C-T. GRCh37 (hg19) VCF-style: chr12-53683924-C-T.
Identifiers: ClinVar variation 3057826 (VCV003057826.2), dbSNP rs773785263, ClinGen allele CA6597860.

ClinVar aggregate classification (germline): Likely benign (0 of 4 stars; one submission).

Conditions:
ESPL1-related disorder. Also called: ESPL1-related condition.

Allele frequency attached by ClinVar (database versions not stated): gnomAD exomes below 0.00001; ExAC 0.00001; gnomAD 0.00002; TOPMed 0.00002.
gnomAD v4.1: 5 of 1,613,848 alleles (0.00031%); highest among the groups gnomAD compares: African/African-American, 0.0067%; no homozygotes.

Submission:

PreventionGenetics, part of Exact Sciences
Classification: Likely benign for ESPL1-related condition. Last evaluated: 2022-10-11. Review status: no assertion criteria provided. Collection method: clinical testing. Allele origin: germline.
Comment: This variant is classified as likely benign based on ACMG/AMP sequence variant interpretation guidelines (Richards et al. 2015 PMID: 25741868, with internal and published modifications).